The following is an entry in ClinVar:

NM_000179.3(MSH6):c.3561A>C (p.Glu1187Asp)

Gene: MSH6 (mutS homolog 6; plus strand). Cytogenetic location: 2p16.3.
Variant type: single nucleotide variant.
Coding change: c.3561A>C on transcript NM_000179.3 (MANE Select); coding-DNA position 3561, A replaced by C.
Protein change: p.Glu1187Asp; replaces glutamic acid 1187 with aspartic acid.
Molecular consequence: missense variant.
Genome position (GRCh38, 1-based): chr2:47,805,622, A>C. VCF-style: chr2-47805622-A-C. GRCh37 (hg19) VCF-style: chr2-48032761-A-C.
Other names: c.3171A>C, p.Glu1057Asp (NM_001281492.2); c.2655A>C, p.Glu885Asp (NM_001281493.2, NM_001281494.2); short protein forms E1057D, E1187D, E885D.
Identifiers: ClinVar variation 849316 (VCV000849316.10), dbSNP rs1553332629, ClinGen allele CA346760422.

ClinVar aggregate classification (germline): Uncertain significance (1 of 4 stars; one submission).

Conditions:
Hereditary nonpolyposis colorectal neoplasms. Identifiers: MedGen C0009405, MeSH D003123.

Submission:

Labcorp Genetics (formerly Invitae), Labcorp
Classification: Uncertain significance for Hereditary nonpolyposis colorectal neoplasms. Last evaluated: 2019-03-19. Review status: criteria provided, single submitter. Criteria: Invitae Variant Classification Sherloc (09022015). Collection method: clinical testing. Allele origin: germline.
Comment: This sequence change replaces glutamic acid with aspartic acid at codon 1187 of the MSH6 protein (p.Glu1187Asp). The glutamic acid residue is highly conserved and there is a small physicochemical difference between glutamic acid and aspartic acid. In summary, the available evidence is currently insufficient to determine the role of this variant in disease. Therefore, it has been classified as a Variant of Uncertain Significance. Algorithms developed to predict the effect of missense changes on protein structure and function (SIFT, PolyPhen-2, Align-GVGD) all suggest that this variant is likely to be disruptive, but these predictions have not been confirmed by published functional studies and their clinical significance is uncertain. This variant has not been reported in the literature in individuals with MSH6-related conditions. This variant is not present in population databases (ExAC no frequency).